The following is an entry in ClinVar:

ClinVar aggregate classification (germline): Uncertain significance (1 of 4 stars; one submission).

Conditions:
Neurofibromatosis, type 1 (NF1). Also called: Neurofibromatosis, type I; VON RECKLINGHAUSEN DISEASE; NEUROFIBROMATOSIS, TYPE I, SOMATIC; Peripheral type neurofibromatosis. Identifiers: Orphanet 636, MedGen C0027831, MONDO:0018975, OMIM 162200. Disease mechanism: loss of function.

Submission:

Labcorp Genetics (formerly Invitae), Labcorp
Classification: Uncertain significance for Neurofibromatosis, type 1. Last evaluated: 2023-07-17. Review status: criteria provided, single submitter. Criteria: Invitae Variant Classification Sherloc (09022015). Collection method: clinical testing. Allele origin: germline.
Comment: This sequence change replaces serine, which is neutral and polar, with proline, which is neutral and non-polar, at codon 1249 of the NF1 protein (p.Ser1249Pro). This variant is not present in population databases (gnomAD no frequency). This variant has not been reported in the literature in individuals affected with NF1-related conditions. ClinVar contains an entry for this variant (Variation ID: 2081661). Advanced modeling of protein sequence and biophysical properties (such as structural, functional, and spatial information, amino acid conservation, physicochemical variation, residue mobility, and thermodynamic stability) performed at Invitae indicates that this missense variant is expected to disrupt NF1 protein function. In summary, the available evidence is currently insufficient to determine the role of this variant in disease. Therefore, it has been classified as a Variant of Uncertain Significance.

NM_001042492.3(NF1):c.3745T>C (p.Ser1249Pro)

Gene: NF1 (neurofibromin 1; plus strand). Cytogenetic location: 17q11.2.
Variant type: single nucleotide variant.
Coding change: c.3745T>C on transcript NM_001042492.3 (MANE Select); coding-DNA position 3745, T replaced by C.
Protein change: p.Ser1249Pro; replaces serine 1249 with proline.
Molecular consequence: missense variant.
Genome position (GRCh38, 1-based): chr17:31,235,647, T>C. VCF-style: chr17-31235647-T-C. GRCh37 (hg19) VCF-style: chr17-29562665-T-C.
Other names: c.3745T>C, p.Ser1249Pro (NM_000267.4); short protein forms S1249P.
Identifiers: ClinVar variation 2081661 (VCV002081661.4), dbSNP rs2151437797, ClinGen allele CA398992435.
Genomic context (GRCh38, chr17:31,235,647, plus strand): 5'-AACCTGATTTTGTTTTGTTCTCAGGATGAACTAGCTCGAGTTCTGGTTACTCTGTTTGAT[T>C]CTCGGCATTTACTCTACCAACTGCTCTGGAACATGTTTTCTAAAGAAGTAGAATTGGCAG-3'
Protein context (NP_001035957.1, residues 1239-1259): LARVLVTLFD[Ser1249Pro]RHLLYQLLWN